The following is an entry in ClinVar:

ClinVar aggregate classification (germline): Pathogenic/Likely pathogenic. Review status: criteria provided, multiple submitters, no conflicts (2 of 4 stars). 6 submissions from 6 submitters: Pathogenic (3); Likely pathogenic (3). Last evaluated 2026-07-30.

Conditions:
MYO15A-related disorder. Also called: MYO15A-related condition.
Autosomal recessive nonsyndromic hearing loss 3. Also called: NEUROSENSORY NONSYNDROMIC RECESSIVE DEAFNESS 3. Identifiers: Orphanet 90636, MedGen C1838263, MONDO:0010860, OMIM 600316.

Allele frequency attached by ClinVar (database versions not stated): TOPMed 0.00001; gnomAD 0.00003.
gnomAD v4.1: 18 of 1,545,170 alleles (0.0012%); highest among the groups gnomAD compares: Admixed American, 0.035%; no homozygotes.

Submissions (6):

GeneDx
Classification: Pathogenic. Last evaluated: 2026-07-30. Review status: criteria provided, single submitter. Criteria: GeneDx Variant Classification Process June 2021. Collection method: clinical testing. Allele origin: germline.
Comment: Nonsense variant predicted to result in protein truncation or nonsense mediated decay in a gene for which loss of function is a known mechanism of disease; Has not been previously published as pathogenic or benign to our knowledge

PreventionGenetics, part of Exact Sciences
Classification: Likely pathogenic for MYO15A-related condition. Last evaluated: 2026-05-27. Review status: criteria provided, single submitter. Criteria: ACMG Guidelines, 2015. Collection method: clinical testing. Allele origin: germline.
Comment: The MYO15A c.2629G>T variant is predicted to result in premature protein termination (p.Glu877*). To our knowledge, this variant has not been reported in the literature. This variant is reported in 0.051% of alleles in individuals of Latino descent in gnomAD. Nonsense variants in MYO15A are expected to be pathogenic. This variant is interpreted as likely pathogenic.

Labcorp Genetics (formerly Invitae), Labcorp
Classification: Pathogenic. Last evaluated: 2025-12-29. Review status: criteria provided, single submitter. Criteria: Invitae Variant Classification Sherloc (09022015). Collection method: clinical testing. Allele origin: germline.
Comment: This sequence change creates a premature translational stop signal (p.Glu877*) in the MYO15A gene. It is expected to result in an absent or disrupted protein product. Loss-of-function variants in MYO15A are known to be pathogenic (PMID: 17546645). This variant is present in population databases (no rsID available, gnomAD 0.05%). This variant has not been reported in the literature in individuals affected with MYO15A-related conditions. ClinVar contains an entry for this variant (Variation ID: 500057). For these reasons, this variant has been classified as Pathogenic.

Variantyx, Inc.
Classification: Likely pathogenic for Autosomal recessive nonsyndromic hearing loss 3. Last evaluated: 2025-08-14. Review status: criteria provided, single submitter. Criteria: Variantyx Assertion Criteria 2022. Collection method: clinical testing. Allele origin: germline. Inheritance: Autosomal recessive inheritance. Affected: yes.
Comment: This is a nonsense variant in the MYO15A gene (OMIM: 602666). Pathogenic variants in this gene have been associated with autosomal recessive deafness 3. This variant introduces a premature termination codon in exon 2 out of 66 and is expected to result in loss of function, which is a known disease mechanism for MYO15A in this disorder (PMID:9603736;17851452) (PVS1). This variant has been identified in the homozygous or compound heterozygous state in previous internal cases (PM3). It has a 0.0353% maximum allele frequency in non-founder control populations. Based on the current evidence, this variant is classified as pathogenic for autosomal recessive deafness 3.A\

Women's Health and Genetics/Laboratory Corporation of America, LabCorp
Classification: Likely pathogenic for Autosomal recessive nonsyndromic hearing loss 3. Last evaluated: 2022-12-21. Review status: criteria provided, single submitter. Criteria: LabCorp Variant Classification Summary - May 2015. Collection method: clinical testing. Allele origin: germline.
Comment: Variant summary: MYO15A c.2629G>T (p.Glu877X) results in a premature termination codon, predicted to cause a truncation of the encoded protein or absence of the protein due to nonsense mediated decay, which are commonly known mechanisms for disease. Truncations downstream of this position have been classified as pathogenic by our laboratory. The variant allele was found at a frequency of 9.5e-05 in 137048 control chromosomes. To our knowledge, no occurrence of c.2629G>T in individuals affected with Autosomal Recessive Nonsyndromic Hearing Loss 3 and no experimental evidence demonstrating its impact on protein function have been reported. Three clinical diagnostic laboratories have submitted clinical-significance assessments for this variant to ClinVar after 2014 and classified the variant as pathogenic/likely pathogenic. Based on the evidence outlined above, the variant was classified as likely pathogenic.

Eurofins Ntd Llc (ga)
Classification: Pathogenic. Last evaluated: 2017-02-15. Review status: criteria provided, single submitter. Criteria: EGL Classification Definitions 2015. Collection method: clinical testing. Allele origin: germline. Observed: 2 variant alleles, 2 heterozygotes.

Literature cited by the submitters: PubMed 17546645 (cited by Labcorp Genetics (formerly Invitae), Labcorp); PubMed 9603736 (cited by Variantyx, Inc.); PubMed 17851452 (cited by Variantyx, Inc.).

NM_016239.4(MYO15A):c.2629G>T (p.Glu877Ter)

Gene: MYO15A (myosin XVA; plus strand). Cytogenetic location: 17p11.2.
Variant type: single nucleotide variant.
Coding change: c.2629G>T on transcript NM_016239.4 (MANE Select); coding-DNA position 2629, G replaced by T.
Protein change: p.Glu877Ter; replaces glutamic acid 877 with a stop codon.
Molecular consequence: nonsense.
Genome position (GRCh38, 1-based): chr17:18,121,429, G>T. VCF-style: chr17-18121429-G-T. GRCh37 (hg19) VCF-style: chr17-18024743-G-T.
Other names: short protein forms E877*.
Identifiers: ClinVar variation 500057 (VCV000500057.15), dbSNP rs771720649, ClinGen allele CA398584770.